The following is an entry in ClinVar:

ClinVar aggregate classification (germline): Likely benign. Review status: criteria provided, multiple submitters, no conflicts (2 of 4 stars). 3 submissions from 3 submitters: Likely benign (3). Last evaluated 2026-01-28.

Conditions:
Marfan syndrome (MFS). Also called: Marfan syndrome, classic; MARFAN SYNDROME, TYPE I; Marfan syndrome type 1; Marfan's syndrome; FBN1-Related Marfan Syndrome. Identifiers: Orphanet 284963, Orphanet 558, MedGen C0024796, MONDO:0007947, OMIM 154700.
Familial thoracic aortic aneurysm and aortic dissection (TAAD). Also called: Thoracic aortic aneurysms and dissections. Identifiers: Orphanet 91387, MedGen C4707243, MONDO:0019625.

Allele frequency attached by ClinVar (database versions not stated): gnomAD exomes 0.00001; gnomAD 0.00001; TOPMed 0.00001.
gnomAD v4.1: 20 of 1,613,818 alleles (0.0012%); highest among the groups gnomAD compares: Non-Finnish European, 0.0014%; no homozygotes.

Submissions (3):

Labcorp Genetics (formerly Invitae), Labcorp
Classification: Likely benign for Marfan syndrome; Familial thoracic aortic aneurysm and aortic dissection. Last evaluated: 2026-01-28. Review status: criteria provided, single submitter. Criteria: Invitae Variant Classification Sherloc (09022015). Collection method: clinical testing. Allele origin: germline.

Ambry Genetics
Classification: Likely benign for Familial thoracic aortic aneurysm and aortic dissection. Last evaluated: 2025-12-30. Review status: criteria provided, single submitter. Criteria: Ambry Variant Classification Scheme 2023. Collection method: clinical testing. Allele origin: germline.

All of Us Research Program, National Institutes of Health
Classification: Likely benign for Marfan syndrome. Last evaluated: 2023-12-13. Review status: criteria provided, single submitter. Criteria: ACMG Guidelines, 2015. Collection method: clinical testing. Allele origin: germline. Inheritance: Autosomal dominant inheritance. Observed: 6 variant alleles, 6 heterozygotes.
Comment: This study involves interpretation of variants in research participants for the purpose of population health screening. Participant phenotype was not available at the time of variant classification. Additional details can be found in publication PMID: 35346344, PMCID: PMC8962531

NM_000138.5(FBN1):c.7632T>C (p.Thr2544=)

Gene: FBN1 (fibrillin 1; minus strand). Cytogenetic location: 15q21.1.
Variant type: single nucleotide variant.
Coding change: c.7632T>C on transcript NM_000138.5 (MANE Select); coding-DNA position 7632, T replaced by C.
Protein change: p.Thr2544=; no amino-acid change (threonine 2544 retained).
Molecular consequence: synonymous variant.
Genome position (GRCh38, 1-based): chr15:48,421,625, A>G on the plus strand (T>C on the coding strand, the complement: FBN1 is on the minus strand). VCF-style: chr15-48421625-A-G. GRCh37 (hg19) VCF-style: chr15-48713822-A-G.
Other names: c.7632T>C (NM_000138.4).
Identifiers: ClinVar variation 1623811 (VCV001623811.10), dbSNP rs1409771185, ClinGen allele CA490015673.